The following is an entry in ClinVar:

ClinVar aggregate classification (germline): Conflicting classifications of pathogenicity. Review status: criteria provided, conflicting classifications (1 of 4 stars). 4 submissions from 4 submitters: Likely pathogenic (2); Uncertain significance (1). 1 of the submissions does not count toward it. Last evaluated 2025-10-14.

Conditions:
Oculocutaneous albinism type 1A (OCA1A). Also called: Albinism, oculocutaneous, type IA. Identifiers: Orphanet 352731, Orphanet 79431, MedGen C4551504, MONDO:0008745, OMIM 203100. Disease mechanism: loss of function.
SKIN/HAIR/EYE PIGMENTATION 3, LIGHT/DARK SKIN (SHEP3). Also called: EYE COLOR 1; EYE COLOR, GREEN/BLUE; SKIN/HAIR/EYE PIGMENTATION, VARIATION IN, 3; SKIN/HAIR/EYE PIGMENTATION 3, BLUE/GREEN EYE COLOR; SKIN/HAIR/EYE PIGMENTATION 3, FRECKLING. Identifiers: MedGen C2677190, OMIM 601800.

Allele frequency attached by ClinVar (database versions not stated): ExAC 0.00001; gnomAD 0.00001; gnomAD exomes 0.00001; TOPMed 0.00001; ESP Exome Variant Server 0.00008.
gnomAD v4.1: 5 of 1,613,390 alleles (0.00031%); highest among the groups gnomAD compares: Non-Finnish European, 0.00042%; no homozygotes.

Submissions (4):

Labcorp Genetics (formerly Invitae), Labcorp
Classification: Likely pathogenic. Last evaluated: 2025-10-14. Review status: criteria provided, single submitter. Criteria: Invitae Variant Classification Sherloc (09022015). Collection method: clinical testing. Allele origin: germline.
Comment: This sequence change replaces histidine, which is basic and polar, with glutamine, which is neutral and polar, at codon 367 of the TYR protein (p.His367Gln). This variant is present in population databases (rs139091458, gnomAD 0.0009%). This variant has not been reported in the literature in individuals affected with TYR-related conditions. ClinVar contains an entry for this variant (Variation ID: 996002). Invitae Evidence Modeling of protein sequence and biophysical properties (such as structural, functional, and spatial information, amino acid conservation, physicochemical variation, residue mobility, and thermodynamic stability) indicates that this missense variant is expected to disrupt TYR protein function with a positive predictive value of 95%. This variant disrupts the p.His367 amino acid residue in TYR. Other variant(s) that disrupt this residue have been determined to be pathogenic (PMID: 7955413, 18821858; internal data). This suggests that this residue is clinically significant, and that variants that disrupt this residue are likely to be disease-causing. In summary, the currently available evidence indicates that the variant is pathogenic, but additional data are needed to prove that conclusively. Therefore, this variant has been classified as Likely Pathogenic.

Blueprint Genetics
Classification: Uncertain significance. Last evaluated: 2021-04-13. Review status: criteria provided, single submitter. Criteria: ACMG Guidelines, 2015. Collection method: clinical testing. Allele origin: germline.

Institute of Human Genetics, University of Goettingen
Classification: Likely pathogenic for Oculocutaneous albinism type 1A. Last evaluated: 2020-10-27. Review status: criteria provided, single submitter. Criteria: ACMG Guidelines, 2015. Collection method: clinical testing. Allele origin: germline. Inheritance: Autosomal dominant inheritance. Affected: yes. Observed: 1 variant allele, 1 heterozygote.
Comment: There was no second mutation identified. The mutation is not present in gnomAD and was not described before. The affected amino acid is highly conserved and other mutation concerning this mutation are already described as pathogenic. To sum up we used the ACMG points PM2, PM1, PP3, PM5 and classified the variant as likely pathogenic.

Diagnostics Centre, Carl Von Ossietzky University Oldenburg
Classification: Likely pathogenic for SKIN/HAIR/EYE PIGMENTATION 3, LIGHT/DARK SKIN. Last evaluated: 2023-06-22. Review status: no assertion criteria provided. Collection method: clinical testing. Allele origin: germline. Affected: yes. Observed: 1 variant allele. Not counted in ClinVar's aggregate classification.
Comment: The TYR:c.1101C>A, p.(His367Gln) variant, located in the coding exon 3 of the TYR gene, results from a cytosine to adenine substitution at nucleotide position c.1101. The glutamine at protein position 367 is replaced by histidine, an amino acid with distinctly different properties. This position represents a cooper cation binding site within the tyrosinase domain and is highly conserved. In silico tools predict a severe deleterious effect for the variant (REVEL = 0.825). The variant is rare, with an overall population allele frequency= 0.000006577 (gnomAD V3.1.2) . A similar alteration at the same nucleotide position (NM_000372.5c.1100A>G (p.His367Arg) associated to oculocutaneous albinism type1A have been classified as Likely Pathogenic (ClinvarID: 99532). The variant is classified as Likely pathogenic.

Literature cited by the submitters: PubMed 7955413 (cited by Labcorp Genetics (formerly Invitae), Labcorp); PubMed 18821858 (cited by Labcorp Genetics (formerly Invitae), Labcorp); PubMed 36413997 (cited by Diagnostics Centre, Carl Von Ossietzky University Oldenburg); PubMed 27666373 (cited by Diagnostics Centre, Carl Von Ossietzky University Oldenburg).

NM_000372.5(TYR):c.1101C>A (p.His367Gln)

Gene: TYR (tyrosinase; plus strand). Cytogenetic location: 11q14.3.
Variant type: single nucleotide variant.
Coding change: c.1101C>A on transcript NM_000372.5 (MANE Select); coding-DNA position 1101, C replaced by A.
Protein change: p.His367Gln; replaces histidine 367 with glutamine.
Molecular consequence: missense variant.
Genome position (GRCh38, 1-based): chr11:89,227,887, C>A. VCF-style: chr11-89227887-C-A. GRCh37 (hg19) VCF-style: chr11-88961055-C-A.
Other names: short protein forms H367Q.
Identifiers: ClinVar variation 996002 (VCV000996002.12), dbSNP rs139091458, ClinGen allele CA6221348.